The following is an entry in ClinVar:

ClinVar aggregate classification (germline): Uncertain significance (1 of 4 stars; one submission).

Conditions:
Hereditary cancer-predisposing syndrome. Also called: Neoplastic Syndromes, Hereditary; Tumor predisposition; Hereditary neoplastic syndrome; Hereditary Cancer Syndrome. Identifiers: Orphanet 140162, MedGen C0027672, MeSH D009386, MONDO:0015356.

Submission:

Ambry Genetics
Classification: Uncertain significance for Hereditary cancer-predisposing syndrome. Last evaluated: 2019-07-25. Review status: criteria provided, single submitter. Criteria: Ambry Variant Classification Scheme 2023. Collection method: clinical testing. Allele origin: germline.
Comment: The p.A162S variant (also known as c.484G>T), located in coding exon 3 of the CDK4 gene, results from a G to T substitution at nucleotide position 484. The alanine at codon 162 is replaced by serine, an amino acid with similar properties. This amino acid position is highly conserved in available vertebrate species. The in silico prediction for this alteration is inconclusive. In addition, the ESEfinder splice prediction software predicts the creation of a new alternate splice acceptor site; however, direct evidence is not available. Since supporting evidence is limited at this time, the clinical significance of this alteration remains unclear.

NM_000075.4(CDK4):c.484G>T (p.Ala162Ser)

Gene: CDK4 (cyclin dependent kinase 4; minus strand). Cytogenetic location: 12q14.1.
Variant type: single nucleotide variant.
Coding change: c.484G>T on transcript NM_000075.4 (MANE Select); coding-DNA position 484, G replaced by T.
Protein change: p.Ala162Ser; replaces alanine 162 with serine.
Molecular consequence: missense variant.
Genome position (GRCh38, 1-based): chr12:57,750,961, C>A on the plus strand (G>T on the coding strand, the complement: CDK4 is on the minus strand). VCF-style: chr12-57750961-C-A. GRCh37 (hg19) VCF-style: chr12-58144744-C-A.
Other names: short protein forms A162S.
Identifiers: ClinVar variation 825229 (VCV000825229.4), dbSNP rs1555201301, ClinGen allele CA385546260.